The following is an entry in ClinVar:

NM_001365276.2(TNXB):c.5810_5811del (p.Ser1937fs)

Gene: TNXB (tenascin XB; minus strand). Cytogenetic location: 6p21.33.
Variant type: Microsatellite.
Coding change: c.5810_5811del on transcript NM_001365276.2 (MANE Select); coding-DNA positions 5810 to 5811, 2 bases deleted (CT; older notation c.5810_5811delCT).
Protein change: p.Ser1937fs; shifts the reading frame from serine 1937.
Molecular consequence: frameshift variant.
Genome position (GRCh38, 1-based): chr6:32,068,913-32,068,914, AG deleted on the plus strand (CT on the coding strand, the reverse complement: TNXB is on the minus strand); deleting any 2 consecutive bases within chr6:32,068,913-32,068,918 gives the same sequence; the c. name uses the placement nearest the transcript's 3' end. VCF-style (leftmost placement, unchanged base first): chr6-32068912-CAG-C. GRCh37 (hg19) VCF-style: chr6-32036689-CAG-C.
Other names: c.5810_5811del, p.Ser1937fs (NM_019105.8); short protein forms S1937fs.
Identifiers: ClinVar variation 3327917 (VCV003327917.1).

ClinVar aggregate classification (germline): Pathogenic (1 of 4 stars; one submission).

Conditions:
Cardiovascular phenotype. Identifiers: MedGen CN230736.

Submission:

Ambry Genetics
Classification: Pathogenic for Cardiovascular phenotype. Last evaluated: 2024-06-13. Review status: criteria provided, single submitter. Criteria: Ambry Variant Classification Scheme 2023. Collection method: clinical testing. Allele origin: germline.
Comment: The c.5810_5811delCT pathogenic mutation, located in coding exon 15 of the TNXB gene, results from a deletion of two nucleotides at nucleotide positions 5810 to 5811, causing a translational frameshift with a predicted alternate stop codon (p.S1937Wfs*17). This variant is considered to be rare based on population cohorts in the Genome Aggregation Database (gnomAD). This alteration is expected to result in loss of function by premature protein truncation or nonsense-mediated mRNA decay. As such, this alteration is interpreted as a disease-causing mutation.